The following is an entry in ClinVar:

ClinVar aggregate classification (germline): Likely benign (0 of 4 stars; one submission).

Conditions:
CSNK1D-related disorder. Also called: CSNK1D-related condition.

Allele frequency attached by ClinVar (database versions not stated): gnomAD exomes below 0.00001.
gnomAD v4.1: 2 of 1,613,746 alleles (0.00012%); highest among the groups gnomAD compares: South Asian, 0.0011%; no homozygotes.

Submission:

PreventionGenetics, part of Exact Sciences
Classification: Likely benign for CSNK1D-related condition. Last evaluated: 2019-12-19. Review status: no assertion criteria provided. Collection method: clinical testing. Allele origin: germline.
Comment: This variant is classified as likely benign based on ACMG/AMP sequence variant interpretation guidelines (Richards et al. 2015 PMID: 25741868, with internal and published modifications).

NM_001893.6(CSNK1D):c.1198-7C>T

Gene: CSNK1D (casein kinase 1 delta; minus strand). Cytogenetic location: 17q25.3.
Variant type: single nucleotide variant.
Coding change: c.1198-7C>T on transcript NM_001893.6 (MANE Select); 7 bases into the intron before coding-DNA position 1198, C replaced by T.
Molecular consequence: intron variant.
Genome position (GRCh38, 1-based): chr17:82,244,838, G>A on the plus strand (C>T on the coding strand, the complement: CSNK1D is on the minus strand). VCF-style: chr17-82244838-G-A. GRCh37 (hg19) VCF-style: chr17-80202714-G-A.
Other names: c.1197+4037C>T (NM_001363749.2); c.*32-7C>T (NM_139062.4).
Identifiers: ClinVar variation 3048437 (VCV003048437.2), dbSNP rs1346611277, ClinGen allele CA627801981.
Genomic context (GRCh38, chr17:82,244,838, plus strand): 5'-TTCTCATCGGTGCACGACAGACTGAAGACCACTGGAAGCCACCCGACCAGGAATCTGTCG[G>A]AGCCAAAGCACAGGAGAAGGTCAGCATGGGGCTGGGGGAGCCGGCCAGGCAGATACCACA-3'